The following is an entry in ClinVar:

ClinVar aggregate classification (germline): Likely pathogenic (1 of 4 stars; one submission).

Conditions:
IL17RA-related disorder. Also called: IL17RA-related condition.

Submission:

PreventionGenetics, part of Exact Sciences
Classification: Likely pathogenic for IL17RA-related condition. Last evaluated: 2025-01-23. Review status: criteria provided, single submitter. Criteria: ACMG Guidelines, 2015. Collection method: clinical testing. Allele origin: germline.
Comment: The IL17RA c.1506C>A variant is predicted to result in premature protein termination (p.Cys502*). To our knowledge, this variant has not been reported in the literature or in a large population database (gnomAD), indicating this variant is rare. Nonsense variants in IL17RA are expected to be pathogenic. This variant is interpreted as likely pathogenic.

NM_014339.7(IL17RA):c.1506C>A (p.Cys502Ter)

Gene: IL17RA (interleukin 17 receptor A; plus strand). Cytogenetic location: 22q11.1.
Variant type: single nucleotide variant.
Coding change: c.1506C>A on transcript NM_014339.7 (MANE Select); coding-DNA position 1506, C replaced by A.
Protein change: p.Cys502Ter; replaces cysteine 502 with a stop codon.
Molecular consequence: nonsense.
Genome position (GRCh38, 1-based): chr22:17,108,725, C>A. VCF-style: chr22-17108725-C-A. GRCh37 (hg19) VCF-style: chr22-17589615-C-A.
Other names: c.1404C>A, p.Cys468Ter (NM_001289905.2); short protein forms C468*, C502*.
Identifiers: ClinVar variation 4999181 (VCV004999181.1).
Genomic context (GRCh38, chr22:17,108,725, plus strand): 5'-CATGAACATGATCCTCCCGGACTTCAAGAGGCCAGCCTGCTTCGGCACCTACGTAGTCTG[C>A]TACTTCAGCGAGGTCAGCTGTGACGGCGACGTCCCCGACCTGTTCGGCGCGGCGCCGCGG-3'